The following is an entry in ClinVar:

ClinVar aggregate classification (germline): Uncertain significance (1 of 4 stars; one submission).

Conditions:
Cardiovascular phenotype. Identifiers: MedGen CN230736.

Allele frequency attached by ClinVar (database versions not stated): gnomAD exomes below 0.00001.
gnomAD v4.1: 2 of 1,614,200 alleles (0.00012%); highest among the groups gnomAD compares: Non-Finnish European, 0.000085%; no homozygotes.

Submission:

Ambry Genetics
Classification: Uncertain significance for Cardiovascular phenotype. Last evaluated: 2021-08-05. Review status: criteria provided, single submitter. Criteria: Ambry Variant Classification Scheme 2023. Collection method: clinical testing. Allele origin: germline.
Comment: The p.E1863G variant (also known as c.5588A>G), located in coding exon 26 of the APOB gene, results from an A to G substitution at nucleotide position 5588. The glutamic acid at codon 1863 is replaced by glycine, an amino acid with similar properties. This amino acid position is conserved. In addition, this alteration is predicted to be tolerated by in silico analysis. Since supporting evidence is limited at this time, the clinical significance of this alteration remains unclear.

NM_000384.3(APOB):c.5588A>G (p.Glu1863Gly)

Gene: APOB (apolipoprotein B; minus strand). Cytogenetic location: 2p24.1.
Variant type: single nucleotide variant.
Coding change: c.5588A>G on transcript NM_000384.3 (MANE Select); coding-DNA position 5588, A replaced by G.
Protein change: p.Glu1863Gly; replaces glutamic acid 1863 with glycine.
Molecular consequence: missense variant.
Genome position (GRCh38, 1-based): chr2:21,011,280, T>C on the plus strand (A>G on the coding strand, the complement: APOB is on the minus strand). VCF-style: chr2-21011280-T-C. GRCh37 (hg19) VCF-style: chr2-21234152-T-C.
Other names: short protein forms E1863G.
Identifiers: ClinVar variation 1748450 (VCV001748450.2), dbSNP rs2465374320, ClinGen allele CA346004403.